The following is an entry in ClinVar:

ClinVar aggregate classification (germline): Uncertain significance (1 of 4 stars; one submission).

Conditions:
Charcot-Marie-Tooth disease type 2E (CMT2E). Also called: CHARCOT-MARIE-TOOTH DISEASE, AXONAL, TYPE 2E; CHARCOT-MARIE-TOOTH NEUROPATHY, TYPE 2E. Identifiers: Orphanet 99939, MedGen C1843225, MONDO:0011894, OMIM 607684.

Submission:

Labcorp Genetics (formerly Invitae), Labcorp
Classification: Uncertain significance for Charcot-Marie-Tooth disease type 2E. Last evaluated: 2019-10-03. Review status: criteria provided, single submitter. Criteria: Invitae Variant Classification Sherloc (09022015). Collection method: clinical testing. Allele origin: germline.
Comment: In summary, the available evidence is currently insufficient to determine the role of this variant in disease. Therefore, it has been classified as a Variant of Uncertain Significance. Algorithms developed to predict the effect of missense changes on protein structure and function (SIFT, PolyPhen-2, Align-GVGD) all suggest that this variant is likely to be disruptive, but these predictions have not been confirmed by published functional studies and their clinical significance is uncertain. This variant has not been reported in the literature in individuals with NEFL-related conditions. This variant is not present in population databases (ExAC no frequency). This sequence change replaces leucine with proline at codon 97 of the NEFL protein (p.Leu97Pro). The leucine residue is highly conserved and there is a moderate physicochemical difference between leucine and proline.

NM_006158.5(NEFL):c.290T>C (p.Leu97Pro)

Gene: NEFL (neurofilament light chain; minus strand). Cytogenetic location: 8p21.2.
Variant type: single nucleotide variant.
Coding change: c.290T>C on transcript NM_006158.5 (MANE Select); coding-DNA position 290, T replaced by C.
Protein change: p.Leu97Pro; replaces leucine 97 with proline.
Molecular consequence: missense variant.
Genome position (GRCh38, 1-based): chr8:24,956,226, A>G on the plus strand (T>C on the coding strand, the complement: NEFL is on the minus strand). VCF-style: chr8-24956226-A-G. GRCh37 (hg19) VCF-style: chr8-24813740-A-G.
Other names: short protein forms L97P.
Identifiers: ClinVar variation 963935 (VCV000963935.5), dbSNP rs1803053378, ClinGen allele CA370622901.